The following is an entry in ClinVar:

NM_003119.4(SPG7):c.571G>A (p.Val191Met)

Gene: SPG7 (SPG7 matrix AAA peptidase subunit, paraplegin; plus strand). Cytogenetic location: 16q24.3.
Variant type: single nucleotide variant.
Coding change: c.571G>A on transcript NM_003119.4 (MANE Select); coding-DNA position 571, G replaced by A.
Protein change: p.Val191Met; replaces valine 191 with methionine.
Molecular consequence: missense variant.
Genome position (GRCh38, 1-based): chr16:89,524,200, G>A. VCF-style: chr16-89524200-G-A. GRCh37 (hg19) VCF-style: chr16-89590608-G-A.
Other names: p.Val191Met; c.571G>A, p.Val191Met (NM_001363850.1, NM_199367.3); short protein forms V191M.
Identifiers: ClinVar variation 4542102 (VCV004542102.1).

ClinVar aggregate classification (germline): Uncertain significance (1 of 4 stars; one submission).

Submission:

Mayo Clinic Laboratories, Mayo Clinic
Classification: Uncertain significance. Last evaluated: 2025-01-17. Review status: criteria provided, single submitter. Criteria: ACMG Guidelines, 2015. Collection method: clinical testing. Allele origin: germline. Observed: 1 variant allele.
Comment: BP4, PM2_supporting